The following is an entry in ClinVar:

ClinVar aggregate classification (germline): Uncertain significance. Review status: criteria provided, multiple submitters, no conflicts (2 of 4 stars). 2 submissions from 2 submitters: Uncertain significance (2). Last evaluated 2025-03-04.

Conditions:
Familial cancer of breast. Also called: hereditary breast carcinoma; BREAST CANCER, FAMILIAL; Hereditary breast cancer. Identifiers: Orphanet 227535, MedGen C0346153, MONDO:0016419, OMIM 114480. Disease mechanism: loss of function.

Submissions (2):

Center for Genomic Medicine, Rigshospitalet, Copenhagen University Hospital
Classification: Uncertain significance. Last evaluated: 2025-03-04. Review status: criteria provided, single submitter. Criteria: ACMG Guidelines, 2015. Collection method: clinical testing. Allele origin: germline.

Labcorp Genetics (formerly Invitae), Labcorp
Classification: Uncertain significance for Familial cancer of breast. Last evaluated: 2023-01-25. Review status: criteria provided, single submitter. Criteria: Invitae Variant Classification Sherloc (09022015). Collection method: clinical testing. Allele origin: germline.
Comment: This sequence change replaces glutamic acid, which is acidic and polar, with valine, which is neutral and non-polar, at codon 234 of the BARD1 protein (p.Glu234Val). This variant is not present in population databases (gnomAD no frequency). This variant has not been reported in the literature in individuals affected with BARD1-related conditions. Algorithms developed to predict the effect of missense changes on protein structure and function are either unavailable or do not agree on the potential impact of this missense change (SIFT: "Deleterious"; PolyPhen-2: "Benign"; Align-GVGD: "Class C0"). RNA analysis performed to evaluate the impact of this missense change on mRNA splicing indicates it does not significantly alter splicing (Invitae). In summary, the available evidence is currently insufficient to determine the role of this variant in disease. Therefore, it has been classified as a Variant of Uncertain Significance.

NM_000465.4(BARD1):c.701A>T (p.Glu234Val)

Gene: BARD1 (BRCA1 associated RING domain 1; minus strand). Cytogenetic location: 2q35.
Variant type: single nucleotide variant.
Coding change: c.701A>T on transcript NM_000465.4 (MANE Select); coding-DNA position 701, A replaced by T.
Protein change: p.Glu234Val; replaces glutamic acid 234 with valine.
Molecular consequence: missense variant. On other transcripts: non-coding transcript variant (2), intron variant (3).
Genome position (GRCh38, 1-based): chr2:214,781,173, T>A on the plus strand (A>T on the coding strand, the complement: BARD1 is on the minus strand). VCF-style: chr2-214781173-T-A. GRCh37 (hg19) VCF-style: chr2-215645897-T-A.
Other names: c.644A>T, p.Glu215Val (NM_001282543.2); c.158+28239A>T (NM_001282548.2); c.215+15888A>T (NM_001282545.2); c.364+11124A>T (NM_001282549.2); short protein forms E234V, E215V.
Identifiers: ClinVar variation 2831820 (VCV002831820.5), dbSNP rs2469509738, ClinGen allele CA350456340.
Genomic context (GRCh38, chr2:214,781,173, plus strand): 5'-ATCTGAGGACTGGAGATAACAGATGGTTGGCTACAGAAGGATACCAGCTTTTGCTTAGAT[T>A]CCTCTTTGGAGTCAAATTCACCATCTTCTTTTTCTGCCTCTAAATTCCATTTTTGGTTGA-3'
Protein context (NP_000456.2, residues 224-244): KEDGEFDSKE[Glu234Val]SKQKLVSFCS